The following is an entry in ClinVar:

ClinVar aggregate classification (germline): Pathogenic. Review status: criteria provided, multiple submitters, no conflicts (2 of 4 stars). 3 submissions from 3 submitters: Pathogenic (3). Last evaluated 2025-05-01.

Conditions:
Hereditary factor VIII deficiency disease (HEMA). Also called: Hemophilia A; Hemophilia A, congenital; HEM A; Factor 8 deficiency, congenital; HEMOPHILIA, CLASSIC; AUTOSOMAL HEMOPHILIA A. Identifiers: Orphanet 98878, MedGen C0019069, MONDO:0010602, OMIM 306700.
F8-related disorder. Also called: F8-related condition.

Submissions (3):

PreventionGenetics, part of Exact Sciences
Classification: Pathogenic for F8-related condition. Last evaluated: 2025-05-01. Review status: criteria provided, single submitter. Criteria: ACMG Guidelines, 2015. Collection method: clinical testing. Allele origin: germline.
Comment: The F8 c.6995G>A variant is predicted to result in premature protein termination (p.Trp2332*). This variant has been reported in individuals with haemophilia A (Jayandharan et al. 2005. PubMed ID: 16128892; Chen et al. 2021. PubMed ID: 33706050). This variant has not been reported in a large population database (gnomAD), indicating this variant is rare. Nonsense variants in this region of the F8 gene are expected to be pathogenic. This variant is interpreted as pathogenic.

Myriad Genetics, Inc.
Classification: Pathogenic for Hereditary factor VIII deficiency disease. Last evaluated: 2025-01-16. Review status: criteria provided, single submitter. Criteria: Myriad Autosomal Dominant, Autosomal Recessive and X-Linked Classification Criteria (2023). Collection method: clinical testing. Allele origin: unknown.
Comment: NM_000132.3(F8):c.6995G>A(W2332*) is a nonsense variant classified as pathogenic in the context of hemophilia A. W2332* has been observed in a case with relevant disease (PMID: 29296726). Relevant functional assessments of this variant are not available in the literature. W2332* has not been observed in referenced population frequency databases. In summary, NM_000132.3(F8):c.6995G>A(W2332*) is a nonsense variant in a gene where loss of function is a known mechanism of disease, is predicted to disrupt protein function, and has been observed more frequently in cases with the relevant disease than in healthy populations. Please note: this variant was assessed in the context of healthy population screening.

ARUP Laboratories, Molecular Genetics and Genomics, ARUP Laboratories
Classification: Pathogenic for Hereditary factor VIII deficiency disease. Last evaluated: 2019-12-12. Review status: criteria provided, single submitter. Criteria: ARUP Molecular Germline Variant Investigation Process. Collection method: clinical testing. Allele origin: germline.
Comment: The F8 c.6995G>A; p.Trp2332Ter variant, also known as Trp2313Stop, is reported in the literature in multiple individuals affected with moderate to severe hemophilia A (Jayandharan 2005, Johnsen 2017). This variant is absent from general population databases (Exome Variant Server, Genome Aggregation Database), indicating it is not a common polymorphism. This variant results in a premature termination codon in the last exon of the F8 gene. While this may not lead to nonsense-mediated decay, it is expected to create a truncated protein. Additionally, another nonsense variant at this codon (c.6996G>A; p.Trp2332Ter) and several downstream truncating variants have been described in individuals with hemophilia A and are considered pathogenic (Green 2008, Johnsen 2017, Nair 2010). Based on available information, the c.6995G>A; p.Trp2332Ter variant is considered to be pathogenic. References: Green PM et al. Haemophilia A mutations in the UK: results of screening one-third of the population. Br J Haematol. 2008 Oct;143(1):115-28. Jayandharan G et al. Identification of factor VIII gene mutations in 101 patients with haemophilia A: mutation analysis by inversion screening and multiplex PCR and CSGE and molecular modelling of 10 novel missense substitutions. Haemophilia. 2005 Sep;11(5):481-91. Johnsen JM et al. Novel approach to genetic analysis and results in 3000 hemophilia patients enrolled in the My Life, Our Future initiative. Blood Adv. 2017 May 18;1(13):824-834. Nair PS et al. Molecular pathology of haemophilia A in Indian patients: identification of 11 novel mutations. Clin Chim Acta. 2010 Dec 14;411(23-24):2004-8.

Literature cited by the submitters: PubMed 29296726 (cited by Myriad Genetics, Inc.).

NM_000132.4(F8):c.6995G>A (p.Trp2332Ter)

Gene: F8 (coagulation factor VIII; minus strand). Cytogenetic location: Xq28.
Variant type: single nucleotide variant.
Coding change: c.6995G>A on transcript NM_000132.4 (MANE Select); coding-DNA position 6995, G replaced by A.
Protein change: p.Trp2332Ter; replaces tryptophan 2332 with a stop codon.
Molecular consequence: nonsense.
Genome position (GRCh38, 1-based): chrX:154,837,658, C>T on the plus strand (G>A on the coding strand, the complement: F8 is on the minus strand). VCF-style: chrX-154837658-C-T. GRCh37 (hg19) VCF-style: chrX-154065933-C-T.
Other names: c.590G>A, p.Trp197Ter (NM_019863.3); c.6995G>A (NM_000132.3); short protein forms W197*, W2332*.
Identifiers: ClinVar variation 993831 (VCV000993831.10), dbSNP rs2072484506, ClinGen allele CA414896995.
Genomic context (GRCh38, chrX:154,837,658, plus strand): 5'-CAGTAGAGGTCCTGTGCCTCGCAGCCCAGAACCTCCATCCTCAGGGCAATCTGGTGCACC[C>T]AACTCTGGGGGTGAATTCGAAGGTAGCGAGTCAGTAACGGTGGGTCTAGAGAGTTCACCA-3'